The following is an entry in ClinVar:

ClinVar aggregate classification (germline): Uncertain significance (1 of 4 stars; one submission).

Submission:

Ambry Genetics
Classification: Uncertain significance. Last evaluated: 2023-11-17. Review status: criteria provided, single submitter. Criteria: Ambry Variant Classification Scheme 2023. Collection method: clinical testing. Allele origin: germline.
Comment: The p.M1485R variant (also known as c.4454T>G), located in coding exon 16 of the POLQ gene, results from a T to G substitution at nucleotide position 4454. The methionine at codon 1485 is replaced by arginine, an amino acid with similar properties. This amino acid position is conserved. In addition, this alteration is predicted to be tolerated by in silico analysis. Since supporting evidence is limited at this time, the clinical significance of this alteration remains unclear.

NM_199420.4(POLQ):c.4454T>G (p.Met1485Arg)

Gene: POLQ (DNA polymerase theta; minus strand). Cytogenetic location: 3q13.33.
Variant type: single nucleotide variant.
Coding change: c.4454T>G on transcript NM_199420.4 (MANE Select); coding-DNA position 4454, T replaced by G.
Protein change: p.Met1485Arg; replaces methionine 1485 with arginine.
Molecular consequence: missense variant.
Genome position (GRCh38, 1-based): chr3:121,488,477, A>C on the plus strand (T>G on the coding strand, the complement: POLQ is on the minus strand). VCF-style: chr3-121488477-A-C. GRCh37 (hg19) VCF-style: chr3-121207324-A-C.
Other names: short protein forms M1485R.
Identifiers: ClinVar variation 3230001 (VCV003230001.1), dbSNP rs2546785889, ClinGen allele CA354095092.
Genomic context (GRCh38, chr3:121,488,477, plus strand): 5'-GGTAATTGTTCTTTTACTAGATAGTCATCACTGAAGCTATCAAATAGTAAACTATCACTC[A>C]TATTCAAACTTGTTTCAGGAACTGGAAGACATTCTCCTTCTACACCAGTGGGAGTTCTCT-3'
Protein context (NP_955452.3, residues 1475-1495): CLPVPETSLN[Met1485Arg]SDSLLFDSFS